The following is an entry in ClinVar:

NM_145059.3(FCSK):c.1615C>G (p.Arg539Gly)

Gene: FCSK (fucose kinase; plus strand). Cytogenetic location: 16q22.1.
Variant type: single nucleotide variant.
Coding change: c.1615C>G on transcript NM_145059.3 (MANE Select); coding-DNA position 1615, C replaced by G.
Protein change: p.Arg539Gly; replaces arginine 539 with glycine.
Molecular consequence: missense variant.
Genome position (GRCh38, 1-based): chr16:70,473,191, C>G. VCF-style: chr16-70473191-C-G. GRCh37 (hg19) VCF-style: chr16-70507094-C-G.
Other names: short protein forms R539G.
Identifiers: ClinVar variation 4754506 (VCV004754506.1).

ClinVar aggregate classification (germline): Uncertain significance (1 of 4 stars; one submission).

gnomAD v4.1: 94 of 1,538,796 alleles (0.0061%); highest among the groups gnomAD compares: Non-Finnish European, 0.008%; no homozygotes.

Submission:

Labcorp Genetics (formerly Invitae), Labcorp
Classification: Uncertain significance. Last evaluated: 2025-08-04. Review status: criteria provided, single submitter. Criteria: Invitae Variant Classification Sherloc (09022015). Collection method: clinical testing. Allele origin: germline.
Comment: This sequence change replaces arginine, which is basic and polar, with glycine, which is neutral and non-polar, at codon 539 of the FUK protein (p.Arg539Gly). This variant is present in population databases (rs753291011, gnomAD 0.006%). This variant has not been reported in the literature in individuals affected with FUK-related conditions. An algorithm developed to predict the effect of missense changes on protein structure and function (PolyPhen-2) suggests that this variant is likely to be tolerated. In summary, the available evidence is currently insufficient to determine the role of this variant in disease. Therefore, it has been classified as a Variant of Uncertain Significance.